The following is an entry in ClinVar:

ClinVar aggregate classification (germline): Uncertain significance (1 of 4 stars; one submission).

Submission:

Labcorp Genetics (formerly Invitae), Labcorp
Classification: Uncertain significance. Last evaluated: 2024-04-15. Review status: criteria provided, single submitter. Criteria: Invitae Variant Classification Sherloc (09022015). Collection method: clinical testing. Allele origin: germline.
Comment: This sequence change replaces lysine, which is basic and polar, with asparagine, which is neutral and polar, at codon 1794 of the COL11A1 protein (p.Lys1794Asn). This variant is not present in population databases (gnomAD no frequency). This variant has not been reported in the literature in individuals affected with COL11A1-related conditions. Advanced modeling of protein sequence and biophysical properties (such as structural, functional, and spatial information, amino acid conservation, physicochemical variation, residue mobility, and thermodynamic stability) performed at Invitae indicates that this missense variant is not expected to disrupt COL11A1 protein function with a negative predictive value of 80%. In summary, the available evidence is currently insufficient to determine the role of this variant in disease. Therefore, it has been classified as a Variant of Uncertain Significance.

NM_001854.4(COL11A1):c.5382G>C (p.Lys1794Asn)

Gene: COL11A1 (collagen type XI alpha 1 chain; minus strand). Cytogenetic location: 1p21.1.
Variant type: single nucleotide variant.
Coding change: c.5382G>C on transcript NM_001854.4 (MANE Select); coding-DNA position 5382, G replaced by C.
Protein change: p.Lys1794Asn; replaces lysine 1794 with asparagine.
Molecular consequence: missense variant. On other transcripts: non-coding transcript variant (1).
Genome position (GRCh38, 1-based): chr1:102,878,058, C>G on the plus strand (G>C on the coding strand, the complement: COL11A1 is on the minus strand). VCF-style: chr1-102878058-C-G. GRCh37 (hg19) VCF-style: chr1-103343614-C-G.
Other names: c.5418G>C, p.Lys1806Asn (NM_080629.3); c.5034G>C, p.Lys1678Asn (NM_080630.4); c.5265G>C, p.Lys1755Asn (NM_001190709.2); short protein forms K1678N, K1755N, K1806N, K1794N.
Identifiers: ClinVar variation 3633108 (VCV003633108.2).
Genomic context (GRCh38, chr1:102,878,058, plus strand): 5'-GATATGTTCTTTGTCTTAATCTTAGCCAAGAAAACAAACAGGACCAACTTCAAATCCGAA[C>G]TTCTGATTCTGATCACCAAAGTCATTGATCATGACATCAACAATAGGTACTTGATCAATT-3'
Protein context (NP_001845.3, residues 1784-1804): MINDFGDQNQ[Lys1794Asn]FGFEVGPVCF